The following is an entry in ClinVar:

ClinVar aggregate classification (germline): Uncertain significance (1 of 4 stars; one submission).

Conditions:
Cone-rod dystrophy 13 (CORD13). Identifiers: Orphanet 1872, MedGen C2750720, MONDO:0011987, OMIM 608194.
Leber congenital amaurosis 6 (LCA6). Identifiers: Orphanet 65, MedGen C1854260, MONDO:0013446, OMIM 613826.

Allele frequency attached by ClinVar (database versions not stated): gnomAD exomes below 0.00001.
gnomAD v4.1: 3 of 1,606,262 alleles (0.00019%); highest among the groups gnomAD compares: Non-Finnish European, 0.00026%; no homozygotes.

Submission:

Labcorp Genetics (formerly Invitae), Labcorp
Classification: Uncertain significance for Leber congenital amaurosis 6; Cone-rod dystrophy 13. Last evaluated: 2022-06-06. Review status: criteria provided, single submitter. Criteria: Invitae Variant Classification Sherloc (09022015). Collection method: clinical testing. Allele origin: germline.
Comment: This variant is not present in population databases (gnomAD no frequency). In summary, the available evidence is currently insufficient to determine the role of this variant in disease. Therefore, it has been classified as a Variant of Uncertain Significance. Algorithms developed to predict the effect of missense changes on protein structure and function are either unavailable or do not agree on the potential impact of this missense change (SIFT: "Deleterious"; PolyPhen-2: "Benign"; Align-GVGD: "Class C0"). This variant has not been reported in the literature in individuals affected with RPGRIP1-related conditions. This sequence change replaces aspartic acid, which is acidic and polar, with glycine, which is neutral and non-polar, at codon 423 of the RPGRIP1 protein (p.Asp423Gly).

NM_020366.4(RPGRIP1):c.1268A>G (p.Asp423Gly)

Gene: RPGRIP1 (RPGR interacting protein 1; plus strand). Cytogenetic location: 14q11.2.
Variant type: single nucleotide variant.
Coding change: c.1268A>G on transcript NM_020366.4 (MANE Select); coding-DNA position 1268, A replaced by G.
Protein change: p.Asp423Gly; replaces aspartic acid 423 with glycine.
Molecular consequence: missense variant.
Genome position (GRCh38, 1-based): chr14:21,317,812, A>G. VCF-style: chr14-21317812-A-G. GRCh37 (hg19) VCF-style: chr14-21785971-A-G.
Other names: c.194A>G, p.Asp65Gly (NM_001377523.1, NM_001377948.1, NM_001377949.1 and 1 more transcripts); short protein forms D65G, D423G.
Identifiers: ClinVar variation 2002478 (VCV002002478.4), dbSNP rs2502753458, ClinGen allele CA388864231.
Genomic context (GRCh38, chr14:21,317,812, plus strand): 5'-CGGAACAGCTACAGCAGCAAGTCTCTCAGCTGCAGGATCAGCTGGATGCTGAGCTGGAGG[A>G]CAAGAGAAAAGTTTTACTTGAGCTGTCCAGGGAGAAAGGTAGGCTGGACCTTGAAGAGCT-3'
Protein context (NP_065099.3, residues 413-433): LQDQLDAELE[Asp423Gly]KRKVLLELSR